The following is an entry in ClinVar:

NM_004946.3(DOCK2):c.1718A>G (p.His573Arg)

Gene: DOCK2 (dedicator of cytokinesis 2; plus strand). Cytogenetic location: 5q35.1.
Variant type: single nucleotide variant.
Coding change: c.1718A>G on transcript NM_004946.3 (MANE Select); coding-DNA position 1718, A replaced by G.
Protein change: p.His573Arg; replaces histidine 573 with arginine.
Molecular consequence: missense variant. On other transcripts: non-coding transcript variant (1).
Genome position (GRCh38, 1-based): chr5:169,714,086, A>G. VCF-style: chr5-169714086-A-G. GRCh37 (hg19) VCF-style: chr5-169141090-A-G.
Other names: short protein forms H573R.
Identifiers: ClinVar variation 2008983 (VCV002008983.2), dbSNP rs2532624864, ClinGen allele CA362107780.

ClinVar aggregate classification (germline): Uncertain significance (1 of 4 stars; one submission).

Conditions:
DOCK2 deficiency. Also called: Immunodeficiency 40. Identifiers: Orphanet 447737, MedGen C4225328, MONDO:0014637, OMIM 616433.

Submission:

Labcorp Genetics (formerly Invitae), Labcorp
Classification: Uncertain significance for DOCK2 deficiency. Last evaluated: 2022-06-27. Review status: criteria provided, single submitter. Criteria: Invitae Variant Classification Sherloc (09022015). Collection method: clinical testing. Allele origin: germline.
Comment: In summary, the available evidence is currently insufficient to determine the role of this variant in disease. Therefore, it has been classified as a Variant of Uncertain Significance. Algorithms developed to predict the effect of missense changes on protein structure and function (SIFT, PolyPhen-2, Align-GVGD) all suggest that this variant is likely to be tolerated. This variant has not been reported in the literature in individuals affected with DOCK2-related conditions. This variant is not present in population databases (gnomAD no frequency). This sequence change replaces histidine, which is basic and polar, with arginine, which is basic and polar, at codon 573 of the DOCK2 protein (p.His573Arg).